The following is an entry in ClinVar:

NM_194277.3(FRMD7):c.579C>T (p.Pro193=)

Gene: FRMD7 (FERM domain containing 7; minus strand). Cytogenetic location: Xq26.2.
Variant type: single nucleotide variant.
Coding change: c.579C>T on transcript NM_194277.3 (MANE Select); coding-DNA position 579, C replaced by T.
Protein change: p.Pro193=; no amino-acid change (proline 193 retained).
Molecular consequence: synonymous variant.
Genome position (GRCh38, 1-based): chrX:132,085,647, G>A on the plus strand (C>T on the coding strand, the complement: FRMD7 is on the minus strand). VCF-style: chrX-132085647-G-A. GRCh37 (hg19) VCF-style: chrX-131219675-G-A.
Other names: c.534C>T, p.Pro178= (NM_001306193.2).
Identifiers: ClinVar variation 1165364 (VCV001165364.33), dbSNP rs140765085, ClinGen allele CA10519009.
Genomic context (GRCh38, chrX:132,085,647, plus strand): 5'-CACCAGTACTCCCATGTGAGCAACAGCCAGGTGAATCTGCATCCCTTCACCATCACTGGC[G>A]GGGTGAGGCCTGATGCCATACATATCCAGCTTCCTTGCTATGTCCAGTAGCAGAATGTCA-3'
Protein context (NP_919253.1, residues 183-203): KLDMYGIRPH[Pro193=]ASDGEGMQIH

ClinVar aggregate classification (germline): Benign/Likely benign. Review status: criteria provided, multiple submitters, no conflicts (2 of 4 stars). 3 submissions from 3 submitters: Benign (1); Likely benign (2). Last evaluated 2025-11-27.

Allele frequency attached by ClinVar (database versions not stated): ESP Exome Variant Server 0.00038.
gnomAD v4.1: 285 of 1,206,734 alleles (0.024%); highest among the groups gnomAD compares: Non-Finnish European, 0.03%; no homozygotes.

Submissions (3):

Labcorp Genetics (formerly Invitae), Labcorp
Classification: Benign. Last evaluated: 2025-11-27. Review status: criteria provided, single submitter. Criteria: Invitae Variant Classification Sherloc (09022015). Collection method: clinical testing. Allele origin: germline.

Blueprint Genetics
Classification: Likely benign. Last evaluated: 2024-11-21. Review status: criteria provided, single submitter. Criteria: ACMG Guidelines, 2015. Collection method: clinical testing. Allele origin: germline.

CeGaT Center for Human Genetics Tuebingen
Classification: Likely benign. Last evaluated: 2022-08-01. Review status: criteria provided, single submitter. Criteria: CeGaT Center For Human Genetics Tuebingen Variant Classification Criteria Version 2. Collection method: clinical testing. Allele origin: germline. Affected: yes. Observed: 1 variant allele.
Comment: FRMD7: BP4, BP7